The following is an entry in ClinVar:

ClinVar aggregate classification (germline): Pathogenic/Likely pathogenic. Review status: criteria provided, multiple submitters, no conflicts (2 of 4 stars). 9 submissions from 9 submitters: Pathogenic (3); Likely pathogenic (4). 2 of the submissions do not count toward it. Last evaluated 2025-09-11.

Conditions:
Regressive spondylometaphyseal dysplasia. Also called: PELGER-HUET ANOMALY WITH MILD SKELETAL ANOMALIES. Identifiers: Orphanet 448267, MedGen C4747922, MONDO:0018663, OMIM 618019.
LBR-related disorder. Also called: LBR-related disorders; LBR-related condition.
Greenberg dysplasia (GRBGD). Also called: CHONDRODYSTROPHY, HYDROPIC AND PRENATALLY LETHAL TYPE; HEM SKELETAL DYSPLASIA; MOTH-EATEN SKELETAL DYSPLASIA. Identifiers: Orphanet 1426, MedGen C2931048, MONDO:0008974, OMIM 215140.
Chondrodysplasia. Identifiers: MedGen C0343284, MONDO:0022723.
Pelger-Huët anomaly (PHA). Also called: Pelger-Huet Anomaly. Identifiers: MedGen C0030779, MONDO:0008214, OMIM 169400.
Reynolds syndrome. Also called: PRIMARY BILIARY CIRRHOSIS, SCLERODERMA, RAYNAUD DISEASE, AND TELANGIECTASIA. Identifiers: Orphanet 779, MedGen C0748397, MONDO:0013276, OMIM 613471.

Allele frequency attached by ClinVar (database versions not stated): gnomAD 0.00002 and 0.00003; ExAC 0.00005; TOPMed 0.00002; 1000 Genomes Project 0.00020; gnomAD exomes 0.00001 and 0.00004; 1000 Genomes Project 30x 0.00031.

Submissions (9):

Labcorp Genetics (formerly Invitae), Labcorp
Classification: Likely pathogenic. Last evaluated: 2025-09-11. Review status: criteria provided, single submitter. Criteria: Invitae Variant Classification Sherloc (09022015). Collection method: clinical testing. Allele origin: germline.
Comment: This sequence change replaces arginine, which is basic and polar, with histidine, which is basic and polar, at codon 586 of the LBR protein (p.Arg586His). This variant is present in population databases (rs573510559, gnomAD 0.03%). This missense change has been observed in individual(s) with clinical features of LBR-related conditions (PMID: 23824842, 34567078, 36307859, 37880672, 38946370). In at least one individual the data is consistent with being in trans (on the opposite chromosome) from a pathogenic variant. ClinVar contains an entry for this variant (Variation ID: 545626). Invitae Evidence Modeling of protein sequence and biophysical properties (such as structural, functional, and spatial information, amino acid conservation, physicochemical variation, residue mobility, and thermodynamic stability) indicates that this missense variant is expected to disrupt LBR protein function with a positive predictive value of 80%. This variant disrupts the p.Arg586 amino acid residue in LBR. Other variant(s) that disrupt this residue have been observed in individuals with LBR-related conditions (PMID: 30448303), which suggests that this may be a clinically significant amino acid residue. In summary, the currently available evidence indicates that the variant is pathogenic, but additional data are needed to prove that conclusively. Therefore, this variant has been classified as Likely Pathogenic.

First Genomix Gene Laboratory, Genetic Diagnostics Department
Classification: Pathogenic for Greenberg dysplasia; Regressive spondylometaphyseal dysplasia. Last evaluated: 2025-08-01. Review status: criteria provided, single submitter. Criteria: ACMG Guidelines, 2015. Collection method: clinical testing. Allele origin: germline. Inheritance: Autosomal recessive inheritance. Affected: no. Observed: 1 variant allele.

Department of Traditional Chinese Medicine, Fujian Provincial Hospital
Classification: Pathogenic for Reynolds syndrome. Last evaluated: 2024-07-10. Review status: criteria provided, single submitter. Criteria: ACMG Guidelines, 2015. Collection method: research. Allele origin: inherited.
Comment: Reynolds syndrome is primarily characterized by limited cutaneous systemic sclerosis and primary biliary cholangitis. According to ACMG guidelines, this variant is classified as pathogenic. A related mutation has been reported by Gaudy-Marqueste, C et al. (PMID: 20522425). Therefore, we consider this variant to be pathogenic.

Medical Genetics Center, Maternal and Child Health Hospital of Hubei Province
Classification: Likely pathogenic for Greenberg dysplasia. Last evaluated: 2022-08-28. Review status: criteria provided, single submitter. Criteria: ACMG Guidelines, 2015. Collection method: clinical testing. Allele origin: paternal. Affected: yes.

AURAGEN, Plan France Médecine Génomique
Classification: Likely pathogenic for Chondrodysplasia. Last evaluated: 2022-02-17. Review status: criteria provided, single submitter. Criteria: PFMG2025 (Lancet Reg Health Eur. 2025). Collection method: clinical testing. Allele origin: germline. Affected: yes.

Blueprint Genetics
Classification: Likely pathogenic for LBR-related disorders. Last evaluated: 2021-05-31. Review status: criteria provided, single submitter. Criteria: ACMG Guidelines, 2015. Collection method: clinical testing. Allele origin: germline. Affected: yes. Observed: 3 variant alleles.

Juno Genomics, Hangzhou Juno Genomics, Inc
Classification: Pathogenic for Greenberg dysplasia. Review status: criteria provided, single submitter. Criteria: ACMG Guidelines, 2015. Collection method: clinical testing. Allele origin: germline. Affected: yes.
Comment: Absent from controls (or at extremely low frequency if recessive) in Genome Aggregation Database.;Multiple lines of computational evidence support a deleterious effect on the gene or gene product.;For recessive disorders, detected in trans with a pathogenic variant.;Patient's phenotype or family history is highly specific for a disease with a single genetic etiology.

OMIM
Classification: Pathogenic for RHIZOMELIC SKELETAL DYSPLASIA WITH OR WITHOUT PELGER-HUET ANOMALY. Last evaluated: 2022-02-03. Review status: no assertion criteria provided. Collection method: literature only. Allele origin: germline. Not counted in ClinVar's aggregate classification.

New York Genome Center
Classification: Uncertain significance for Pelger-Huët anomaly. Last evaluated: 2021-03-19. Review status: flagged submission. Criteria: NYGC Assertion Criteria 2020. Collection method: clinical testing. Allele origin: inherited. Observed: 1 heterozygote. Study: CSER-NYCKidSeq. Not counted in ClinVar's aggregate classification.
ClinVar note: Reason: Outlier claim with insufficient supporting evidence

Literature cited by the submitters: PubMed 23824842 (cited by 3 submitters); PubMed 34567078 (cited by Labcorp Genetics (formerly Invitae), Labcorp); PubMed 36307859 (cited by Labcorp Genetics (formerly Invitae), Labcorp); PubMed 37880672 (cited by Labcorp Genetics (formerly Invitae), Labcorp); PubMed 38946370 (cited by Labcorp Genetics (formerly Invitae), Labcorp); PubMed 30448303 (cited by Labcorp Genetics (formerly Invitae), Labcorp); PubMed 20522425 (cited by Department of Traditional Chinese Medicine, Fujian Provincial Hospital).

NM_002296.4(LBR):c.1757G>A (p.Arg586His)

Gene: LBR (lamin B receptor; minus strand). Cytogenetic location: 1q42.12.
Variant type: single nucleotide variant.
Coding change: c.1757G>A on transcript NM_002296.4 (MANE Select); coding-DNA position 1757, G replaced by A.
Protein change: p.Arg586His; replaces arginine 586 with histidine.
Molecular consequence: missense variant.
Genome position (GRCh38, 1-based): chr1:225,403,394, C>T on the plus strand (G>A on the coding strand, the complement: LBR is on the minus strand). VCF-style: chr1-225403394-C-T. GRCh37 (hg19) VCF-style: chr1-225591096-C-T.
Other names: c.1757G>A, p.Arg586His (NM_194442.3); c.1757G>A (NM_194442.2); short protein forms R586H.
Identifiers: ClinVar variation 545626 (VCV000545626.14), dbSNP rs573510559, ClinGen allele CA1417039.